The following is an entry in ClinVar:

ClinVar aggregate classification (germline): Likely benign (1 of 4 stars; one submission).

Allele frequency attached by ClinVar (database versions not stated): gnomAD exomes below 0.00001.
gnomAD v4.1: 1 of 1,614,172 alleles (0.000062%); highest among the groups gnomAD compares: Non-Finnish European, 0.000085%; no homozygotes.

Submission:

CeGaT Center for Human Genetics Tuebingen
Classification: Likely benign. Last evaluated: 2024-04-01. Review status: criteria provided, single submitter. Criteria: CeGaT Center For Human Genetics Tuebingen Variant Classification Criteria Version 2. Collection method: clinical testing. Allele origin: germline. Affected: yes. Observed: 1 variant allele.
Comment: FBN1: BP4, BP7

NM_000138.5(FBN1):c.4284C>T (p.Arg1428=)

Genes: FBN1 (fibrillin 1; minus strand), LOC126862124 (CDK7 strongly-dependent group 2 enhancer GRCh37_chr15:48764566-48765765; plus strand). Cytogenetic location: 15q21.1.
Variant type: single nucleotide variant.
Coding change: c.4284C>T on transcript NM_000138.5 (MANE Select); coding-DNA position 4284, C replaced by T.
Protein change: p.Arg1428=; no amino-acid change (arginine 1428 retained).
Molecular consequence: synonymous variant.
Genome position (GRCh38, 1-based): chr15:48,472,603, G>A on the plus strand (C>T on the coding strand, the complement: FBN1 is on the minus strand). VCF-style: chr15-48472603-G-A. GRCh37 (hg19) VCF-style: chr15-48764800-G-A.
Other names: c.4284C>T, p.Arg1428= (NM_001406716.1).
Identifiers: ClinVar variation 3234666 (VCV003234666.20), dbSNP rs1482045506, ClinGen allele CA490013424.